The following is an entry in ClinVar:

ClinVar aggregate classification (germline): Conflicting classifications of pathogenicity. Review status: criteria provided, conflicting classifications (1 of 4 stars). 4 submissions from 4 submitters: Likely pathogenic (2); Uncertain significance (2). Last evaluated 2026-04-01.

Conditions:
ADGRV1-related disorder. Also called: ADGRV1-related disorders; ADGRV1-related condition.

Allele frequency attached by ClinVar (database versions not stated): TOPMed 0.00001; gnomAD 0.00002; gnomAD exomes 0.00002 and 0.00003; ExAC 0.00003.
gnomAD v4.1: 46 of 1,529,946 alleles (0.003%); highest among the groups gnomAD compares: Non-Finnish European, 0.0039%; no homozygotes.

Submissions (4):

PreventionGenetics, part of Exact Sciences
Classification: Likely pathogenic for ADGRV1-related condition. Last evaluated: 2026-04-01. Review status: criteria provided, single submitter. Criteria: ACMG Guidelines, 2015. Collection method: clinical testing. Allele origin: germline.
Comment: The ADGRV1 c.10016G>A variant is predicted to result in the amino acid substitution p.Ser3339Asn. This variant has been reported along with nonsense variant c.6856C>T (p.Arg2286*) in at least two individuals with Usher syndrome (gene reported as GPR98, Le Quesne Stabej et al. 2012. PubMed ID: 22135276; Table S1, Lin et al. 2024. PubMed ID: 38219857). This variant is present in 0.0033% of alleles in individuals of European (Non-Finnish) descent in gnomAD. This variant is interpreted as likely pathogenic.

GeneDx
Classification: Likely pathogenic. Last evaluated: 2025-07-22. Review status: criteria provided, single submitter. Criteria: GeneDx Variant Classification Process June 2021. Collection method: clinical testing. Allele origin: germline.
Comment: Not observed at significant frequency in large population cohorts (gnomAD); In silico analysis suggests that this missense variant does not alter protein structure/function; This variant is associated with the following publications: (PMID: 22135276, 38219857)

Blueprint Genetics
Classification: Uncertain significance. Last evaluated: 2024-06-28. Review status: criteria provided, single submitter. Criteria: ACMG Guidelines, 2015. Collection method: clinical testing. Allele origin: germline.

Labcorp Genetics (formerly Invitae), Labcorp
Classification: Uncertain significance. Last evaluated: 2022-01-17. Review status: criteria provided, single submitter. Criteria: Invitae Variant Classification Sherloc (09022015). Collection method: clinical testing. Allele origin: germline.
Comment: This sequence change replaces serine, which is neutral and polar, with asparagine, which is neutral and polar, at codon 3339 of the ADGRV1 protein (p.Ser3339Asn). This variant is present in population databases (rs750872471, gnomAD 0.004%). This missense change has been observed in individuals with Usher syndrome (PMID: 22135276; Invitae). ClinVar contains an entry for this variant (Variation ID: 971070). Algorithms developed to predict the effect of missense changes on protein structure and function output the following: SIFT: "Deleterious"; PolyPhen-2: "Benign"; Align-GVGD: "Class C0". The asparagine amino acid residue is found in multiple mammalian species, which suggests that this missense change does not adversely affect protein function. In summary, the available evidence is currently insufficient to determine the role of this variant in disease. Therefore, it has been classified as a Variant of Uncertain Significance.

Literature cited by the submitters: PubMed 22135276 (cited by Labcorp Genetics (formerly Invitae), Labcorp).

NM_032119.4(ADGRV1):c.10016G>A (p.Ser3339Asn)

Gene: ADGRV1 (adhesion G protein-coupled receptor V1; plus strand). Cytogenetic location: 5q14.3.
Variant type: single nucleotide variant.
Coding change: c.10016G>A on transcript NM_032119.4 (MANE Select); coding-DNA position 10016, G replaced by A.
Protein change: p.Ser3339Asn; replaces serine 3339 with asparagine.
Molecular consequence: missense variant. On other transcripts: non-coding transcript variant (1).
Genome position (GRCh38, 1-based): chr5:90,725,195, G>A. VCF-style: chr5-90725195-G-A. GRCh37 (hg19) VCF-style: chr5-90021012-G-A.
Other names: short protein forms S3339N.
Identifiers: ClinVar variation 971070 (VCV000971070.9), dbSNP rs750872471, ClinGen allele CA3340643.
Genomic context (GRCh38, chr5:90,725,195, plus strand): 5'-TTTCTCCCTACTTTGTGATTACTCATGAAGAAAGAAATGAAGAAAAGCCTTCTCTTAACA[G>A]TGTGTTTACATTCACATCTGGATTTAAATTATTCCTGGTAAAAACATTTTCATTTTTAAA-3'
Protein context (NP_115495.3, residues 3329-3349): ERNEEKPSLN[Ser3339Asn]VFTFTSGFKL